The following is an entry in ClinVar:

NM_015015.3(KDM4B):c.1778_1779dup (p.Gly594fs)

Genes: KDM4B (lysine demethylase 4B; plus strand), LOC130063244 (ATAC-STARR-seq lymphoblastoid active region 13796; plus strand). Cytogenetic location: 19p13.3.
Variant type: Microsatellite.
Coding change: c.1778_1779dup on transcript NM_015015.3 (MANE Select); coding-DNA positions 1778 to 1779, 2 bases duplicated (AG; older notation c.1778_1779dupAG).
Protein change: p.Gly594fs; shifts the reading frame from glycine 594.
Molecular consequence: frameshift variant.
Genome position (GRCh38, 1-based): chr19:5,131,538-5,131,539, AG duplicated; duplicating any 2 consecutive bases within chr19:5,131,535-5,131,539 gives the same sequence; the c. name uses the placement nearest the transcript's 3' end. VCF-style (leftmost placement, unchanged base first): chr19-5131534-G-GGA. GRCh37 (hg19) VCF-style: chr19-5131545-G-GGA.
Other names: c.1880_1881dup, p.Gly628fs (NM_001411148.1); short protein forms G594fs, G628fs.
Identifiers: ClinVar variation 5008164 (VCV005008164.1).

ClinVar aggregate classification (germline): Pathogenic (1 of 4 stars; one submission).

Submission:

GeneDx
Classification: Pathogenic. Last evaluated: 2026-03-07. Review status: criteria provided, single submitter. Criteria: GeneDx Variant Classification Process June 2021. Collection method: clinical testing. Allele origin: germline.
Comment: Frameshift variant predicted to result in protein truncation or nonsense mediated decay in a gene for which loss of function is a known mechanism of disease; Not observed at significant frequency in large population cohorts (gnomAD); Has not been previously published as pathogenic or benign to our knowledge